The following is an entry in ClinVar:

NM_000051.4(ATM):c.637T>C (p.Phe213Leu)

Gene: ATM (ATM serine/threonine kinase; plus strand). Cytogenetic location: 11q22.3.
Variant type: single nucleotide variant.
Coding change: c.637T>C on transcript NM_000051.4 (MANE Select); coding-DNA position 637, T replaced by C.
Protein change: p.Phe213Leu; replaces phenylalanine 213 with leucine.
Molecular consequence: missense variant.
Genome position (GRCh38, 1-based): chr11:108,244,093, T>C. VCF-style: chr11-108244093-T-C. GRCh37 (hg19) VCF-style: chr11-108114820-T-C.
Other names: c.637T>C, p.Phe213Leu (NM_001351834.2); short protein forms F213L.
Identifiers: ClinVar variation 930773 (VCV000930773.4), dbSNP rs2079707663, ClinGen allele CA382528423.

ClinVar aggregate classification (germline): Uncertain significance (1 of 4 stars; one submission).

Conditions:
Familial cancer of breast. Also called: Hereditary breast cancer; BREAST CANCER, FAMILIAL; hereditary breast carcinoma. Identifiers: Orphanet 227535, MedGen C0346153, MONDO:0016419, OMIM 114480. Disease mechanism: loss of function.

Submission:

Centre for Mendelian Genomics, University Medical Centre Ljubljana
Classification: Uncertain significance for Familial cancer of breast. Last evaluated: 2019-09-16. Review status: criteria provided, single submitter. Criteria: ACMG Guidelines, 2015. Collection method: clinical testing. Allele origin: unknown. Affected: yes.
Comment: This variant was classified as: Uncertain significance. The available evidence on this variant's pathogenicity is insufficient or conflicting. The following ACMG criteria were applied in classifying this variant: PM2,PP3,BP1.